The following is an entry in ClinVar:

ClinVar aggregate classification (germline): Uncertain significance (1 of 4 stars; one submission).

Conditions:
Neuronopathy, distal hereditary motor, type 2C. Also called: HMN IIC; NEUROPATHY, DISTAL HEREDITARY MOTOR, AUTOSOMAL DOMINANT 4; NEURONOPATHY, DISTAL HEREDITARY MOTOR, HARDING TYPE IIC; NEUROPATHY, DISTAL HEREDITARY MOTOR, HARDING TYPE IIC. Identifiers: Orphanet 139525, MedGen C3150619, MONDO:0013243, OMIM 613376.

Allele frequency attached by ClinVar (database versions not stated): gnomAD exomes 0.00001; ExAC 0.00002; gnomAD 0.00003 and 0.00004; TOPMed 0.00004; ESP Exome Variant Server 0.00015.
gnomAD v4.1: 114 of 1,613,964 alleles (0.0071%); highest among the groups gnomAD compares: Non-Finnish European, 0.0095%; no homozygotes.

Submission:

Labcorp Genetics (formerly Invitae), Labcorp
Classification: Uncertain significance for Neuronopathy, distal hereditary motor, type 2C. Last evaluated: 2025-03-06. Review status: criteria provided, single submitter. Criteria: Invitae Variant Classification Sherloc (09022015). Collection method: clinical testing. Allele origin: germline.
Comment: This sequence change replaces proline, which is neutral and non-polar, with serine, which is neutral and polar, at codon 13 of the HSPB3 protein (p.Pro13Ser). This variant is present in population databases (rs372042812, gnomAD 0.003%). This variant has not been reported in the literature in individuals affected with HSPB3-related conditions. ClinVar contains an entry for this variant (Variation ID: 1359519). An algorithm developed to predict the effect of missense changes on protein structure and function (PolyPhen-2) suggests that this variant is likely to be disruptive. In summary, the available evidence is currently insufficient to determine the role of this variant in disease. Therefore, it has been classified as a Variant of Uncertain Significance.

NM_006308.3(HSPB3):c.37C>T (p.Pro13Ser)

Gene: HSPB3 (heat shock protein family B (small) member 3; plus strand). Cytogenetic location: 5q11.2.
Variant type: single nucleotide variant.
Coding change: c.37C>T on transcript NM_006308.3 (MANE Select); coding-DNA position 37, C replaced by T.
Protein change: p.Pro13Ser; replaces proline 13 with serine.
Molecular consequence: missense variant.
Genome position (GRCh38, 1-based): chr5:54,455,826, C>T. VCF-style: chr5-54455826-C-T. GRCh37 (hg19) VCF-style: chr5-53751656-C-T.
Other names: short protein forms P13S.
Identifiers: ClinVar variation 1359519 (VCV001359519.8), dbSNP rs372042812, ClinGen allele CA3264594.